The following is an entry in ClinVar:

ClinVar aggregate classification (germline): Uncertain significance (1 of 4 stars; one submission).

Submission:

GeneDx
Classification: Uncertain significance. Last evaluated: 2023-02-05. Review status: criteria provided, single submitter. Criteria: GeneDx Variant Classification Process June 2021. Collection method: clinical testing. Allele origin: germline. Affected: yes.
Comment: Not observed at significant frequency in large population cohorts (gnomAD); In silico analysis supports that this missense variant has a deleterious effect on protein structure/function; Has not been previously published as pathogenic or benign to our knowledge

NM_005120.3(MED12):c.4904T>C (p.Val1635Ala)

Gene: MED12 (mediator complex subunit 12; plus strand). Cytogenetic location: Xq13.1.
Variant type: single nucleotide variant.
Coding change: c.4904T>C on transcript NM_005120.3 (MANE Select); coding-DNA position 4904, T replaced by C.
Protein change: p.Val1635Ala; replaces valine 1635 with alanine.
Molecular consequence: missense variant.
Genome position (GRCh38, 1-based): chrX:71,135,132, T>C. VCF-style: chrX-71135132-T-C. GRCh37 (hg19) VCF-style: chrX-70354982-T-C.
Other names: short protein forms V1635A.
Identifiers: ClinVar variation 2574913 (VCV002574913.1), dbSNP rs2092328916, ClinGen allele CA413533011.